The following is an entry in ClinVar:

ClinVar aggregate classification (germline): Conflicting classifications of pathogenicity. Review status: criteria provided, conflicting classifications (1 of 4 stars). 2 submissions from 2 submitters: Likely pathogenic (1); Uncertain significance (1). Last evaluated 2024-04-17.

Allele frequency attached by ClinVar (database versions not stated): TOPMed below 0.00001; gnomAD 0.00001.
gnomAD v4.1: 1 of 1,613,204 alleles (0.000062%); highest among the groups gnomAD compares: Non-Finnish European, 0.000085%; no homozygotes.

Submissions (2):

Women's Health and Genetics/Laboratory Corporation of America, LabCorp
Classification: Uncertain significance. Last evaluated: 2024-04-17. Review status: criteria provided, single submitter. Criteria: LabCorp Variant Classification Summary - May 2015. Collection method: clinical testing. Allele origin: germline.

GeneDx
Classification: Likely pathogenic. Last evaluated: 2014-07-11. Review status: criteria provided, single submitter. Criteria: GeneDx Variant Classification (06012015). Collection method: clinical testing. Allele origin: germline. Affected: yes.
Comment: p.Gly120Ser (GGT>AGT): c.358 G>A in exon 3 of the TYMP gene (NM_001953.3) The G120S variant is likely pathogenic and has not been published as a mutation, nor has it been reported as a benign polymorphism to our knowledge. Mutations in the TYMP gene are associated with autosomal recessive mitochondrial DNA depletion syndrome 1 (MNGIE type). The G120S variant is a non-conservative amino acid substitution, which is likely to impact secondary protein structure as these residues differ in polarity, charge, size and/or other properties. This substitution occurs at a position that is conserved across species. In silico analysis predicts this variant is probably damaging to the protein structure/function. Missense mutations in nearby residues (D114N) have been reported supporting the functional importance of this region of the protein. Therefore, this variant is a strong candidate for a pathogenic mutation, however the possibility that it is a benign variant cannot be excluded. The variant is found in MITONUC-MITOP panel(s).

NM_001953.5(TYMP):c.358G>A (p.Gly120Ser)

Gene: TYMP (thymidine phosphorylase; minus strand). Cytogenetic location: 22q13.33.
Variant type: single nucleotide variant.
Coding change: c.358G>A on transcript NM_001953.5 (MANE Select); coding-DNA position 358, G replaced by A.
Protein change: p.Gly120Ser; replaces glycine 120 with serine.
Molecular consequence: missense variant.
Genome position (GRCh38, 1-based): chr22:50,529,195, C>T on the plus strand (G>A on the coding strand, the complement: TYMP is on the minus strand). VCF-style: chr22-50529195-C-T. GRCh37 (hg19) VCF-style: chr22-50967624-C-T.
Other names: c.358G>A, p.Gly120Ser (LRG_727t1, LRG_727t2, NM_001113755.3 and 3 more transcripts); short protein forms G120S.
Identifiers: ClinVar variation 215329 (VCV000215329.3), dbSNP rs863224250, ClinGen allele CA322653.